The following is an entry in ClinVar:

NM_004453.4(ETFDH):c.1744A>C (p.Asn582His)

Gene: ETFDH (electron transfer flavoprotein dehydrogenase; plus strand). Cytogenetic location: 4q32.1.
Variant type: single nucleotide variant.
Coding change: c.1744A>C on transcript NM_004453.4 (MANE Select); coding-DNA position 1744, A replaced by C.
Protein change: p.Asn582His; replaces asparagine 582 with histidine.
Molecular consequence: missense variant.
Genome position (GRCh38, 1-based): chr4:158,708,417, A>C. VCF-style: chr4-158708417-A-C. GRCh37 (hg19) VCF-style: chr4-159629569-A-C.
Other names: c.1744A>C (NM_004453.2); c.1603A>C, p.Asn535His (NM_001281737.2); c.1561A>C, p.Asn521His (NM_001281738.1); short protein forms N521H, N535H, N582H.
Identifiers: ClinVar variation 942497 (VCV000942497.8), dbSNP rs757842479, ClinGen allele CA3122714.

ClinVar aggregate classification (germline): Uncertain significance. Review status: criteria provided, multiple submitters, no conflicts (2 of 4 stars). 5 submissions from 5 submitters: Uncertain significance (4). 1 of the submissions does not count toward it. Last evaluated 2024-06-10.

Conditions:
Inborn genetic diseases. Identifiers: MedGen C0950123, MeSH D030342.
Multiple acyl-CoA dehydrogenase deficiency (MADD). Also called: ETHYLMALONIC-ADIPICACIDURIA; GA II; Glutaric aciduria, type 2; Glutaric Acidemia type 2; Glutaric acidemia type II; GA 2. Identifiers: Orphanet 26791, MedGen C0268596, MONDO:0009282, OMIM 231680.

Allele frequency attached by ClinVar (database versions not stated): gnomAD exomes 0.00002 and 0.00004; ExAC 0.00003; gnomAD 0.00005 and 0.00006; TOPMed 0.00005.

Submissions (5):

Ambry Genetics
Classification: Uncertain significance for Inborn genetic diseases. Last evaluated: 2024-06-10. Review status: criteria provided, single submitter. Criteria: Ambry Variant Classification Scheme 2023. Collection method: clinical testing. Allele origin: germline.

Labcorp Genetics (formerly Invitae), Labcorp
Classification: Uncertain significance for Multiple acyl-CoA dehydrogenase deficiency. Last evaluated: 2024-04-02. Review status: criteria provided, single submitter. Criteria: Invitae Variant Classification Sherloc (09022015). Collection method: clinical testing. Allele origin: germline.
Comment: This sequence change replaces asparagine, which is neutral and polar, with histidine, which is basic and polar, at codon 582 of the ETFDH protein (p.Asn582His). This variant is present in population databases (rs757842479, gnomAD 0.006%). This variant has not been reported in the literature in individuals affected with ETFDH-related conditions. ClinVar contains an entry for this variant (Variation ID: 942497). Advanced modeling of protein sequence and biophysical properties (such as structural, functional, and spatial information, amino acid conservation, physicochemical variation, residue mobility, and thermodynamic stability) has been performed at Invitae for this missense variant, however the output from this modeling did not meet the statistical confidence thresholds required to predict the impact of this variant on ETFDH protein function. In summary, the available evidence is currently insufficient to determine the role of this variant in disease. Therefore, it has been classified as a Variant of Uncertain Significance.

GeneDx
Classification: Uncertain significance. Last evaluated: 2023-03-28. Review status: criteria provided, single submitter. Criteria: GeneDx Variant Classification Process June 2021. Collection method: clinical testing. Allele origin: germline. Affected: yes.
Comment: Not observed at significant frequency in large population cohorts (gnomAD); In silico analysis supports that this missense variant has a deleterious effect on protein structure/function; Has not been previously published as pathogenic or benign to our knowledge

Fulgent Genetics
Classification: Uncertain significance for Multiple acyl-CoA dehydrogenase deficiency. Last evaluated: 2021-11-25. Review status: criteria provided, single submitter. Criteria: ACMG Guidelines, 2015. Collection method: clinical testing. Allele origin: unknown.

Natera, Inc.
Classification: Uncertain significance for Glutaric aciduria type 2. Last evaluated: 2020-08-31. Review status: no assertion criteria provided. Collection method: clinical testing. Allele origin: germline. Not counted in ClinVar's aggregate classification.